The following is an entry in ClinVar:

NM_001099274.3(TINF2):c.1062-3C>T

Gene: TINF2 (TERF1 interacting nuclear factor 2; minus strand). Cytogenetic location: 14q12.
Variant type: single nucleotide variant.
Coding change: c.1062-3C>T on transcript NM_001099274.3 (MANE Select); 3 bases into the intron before coding-DNA position 1062, C replaced by T.
Molecular consequence: intron variant. On other transcripts: 3 prime UTR variant (1).
Genome position (GRCh38, 1-based): chr14:24,240,333, G>A on the plus strand (C>T on the coding strand, the complement: TINF2 is on the minus strand). VCF-style: chr14-24240333-G-A. GRCh37 (hg19) VCF-style: chr14-24709539-G-A.
Other names: c.*82C>T (NM_012461.3); c.957-3C>T (NM_001363668.2).
Identifiers: ClinVar variation 1043783 (VCV001043783.8), dbSNP rs1176026210, ClinGen allele CA704339783.

ClinVar aggregate classification (germline): Uncertain significance (1 of 4 stars; one submission).

Conditions:
Dyskeratosis congenita. Identifiers: Orphanet 1775, MedGen C0265965, MONDO:0015780.

Allele frequency attached by ClinVar (database versions not stated): gnomAD exomes below 0.00001; TOPMed 0.00001; gnomAD 0.00002.

Submission:

Labcorp Genetics (formerly Invitae), Labcorp
Classification: Uncertain significance for Dyskeratosis congenita. Last evaluated: 2025-06-09. Review status: criteria provided, single submitter. Criteria: Invitae Variant Classification Sherloc (09022015). Collection method: clinical testing. Allele origin: germline.
Comment: This sequence change falls in intron 6 of the TINF2 gene. It does not directly change the encoded amino acid sequence of the TINF2 protein. It affects a nucleotide within the consensus splice site. This variant is not present in population databases (gnomAD no frequency). This variant has not been reported in the literature in individuals affected with TINF2-related conditions. ClinVar contains an entry for this variant (Variation ID: 1043783). Variants that disrupt the consensus splice site are a relatively common cause of aberrant splicing (PMID: 17576681, 9536098). Algorithms developed to predict the effect of sequence changes on RNA splicing suggest that this variant is not likely to affect RNA splicing. In summary, the available evidence is currently insufficient to determine the role of this variant in disease. Therefore, it has been classified as a Variant of Uncertain Significance.

Literature cited by the submitters: PubMed 17576681; PubMed 9536098.